The following is an entry in ClinVar:

ClinVar aggregate classification (germline): Uncertain significance (1 of 4 stars; one submission).

Conditions:
Hereditary pheochromocytoma and paraganglioma. Also called: Hereditary paragangliomas and pheochromocytomas; Hereditary Paraganglioma-Pheochromocytoma Syndromes; Hereditary pheochromocytoma-paraganglioma. Identifiers: Orphanet 29072, MedGen C4274332, MONDO:0017366.

Submission:

Labcorp Genetics (formerly Invitae), Labcorp
Classification: Uncertain significance for Hereditary pheochromocytoma and paraganglioma. Last evaluated: 2021-03-23. Review status: criteria provided, single submitter. Criteria: Invitae Variant Classification Sherloc (09022015). Collection method: clinical testing. Allele origin: germline.
Comment: This sequence change replaces alanine with threonine at codon 43 of the TMEM127 protein (p.Ala43Thr). The alanine residue is highly conserved and there is a small physicochemical difference between alanine and threonine. In summary, the available evidence is currently insufficient to determine the role of this variant in disease. Therefore, it has been classified as a Variant of Uncertain Significance. Algorithms developed to predict the effect of missense changes on protein structure and function (SIFT, PolyPhen-2, Align-GVGD) all suggest that this variant is likely to be tolerated, but these predictions have not been confirmed by published functional studies and their clinical significance is uncertain. This variant has not been reported in the literature in individuals with TMEM127-related conditions. This variant is not present in population databases (ExAC no frequency).

NM_017849.4(TMEM127):c.127G>A (p.Ala43Thr)

Gene: TMEM127 (transmembrane protein 127; minus strand). Cytogenetic location: 2q11.2.
Variant type: single nucleotide variant.
Coding change: c.127G>A on transcript NM_017849.4 (MANE Select); coding-DNA position 127, G replaced by A.
Protein change: p.Ala43Thr; replaces alanine 43 with threonine.
Molecular consequence: missense variant.
Genome position (GRCh38, 1-based): chr2:96,265,255, C>T on the plus strand (G>A on the coding strand, the complement: TMEM127 is on the minus strand). VCF-style: chr2-96265255-C-T. GRCh37 (hg19) VCF-style: chr2-96930993-C-T.
Other names: c.127G>A, p.Ala43Thr (NM_001193304.3); short protein forms A43T.
Identifiers: ClinVar variation 1414176 (VCV001414176.8), dbSNP rs2104307898, ClinGen allele CA347656063.
Genomic context (GRCh38, chr2:96,265,255, plus strand): 5'-GCGAACAGGTGCCTCCGTGGATGTGCAACCAGGCGGGCTCGGCGAGGGCAGTGCACAGCG[C>T]CGTGATAGACAGGGCGCCAGGCAGGGCCGAGGCCAGGCTACGCTCCGGCTGCTTGGGCAG-3'
Protein context (NP_060319.1, residues 33-53): SALPGALSIT[Ala43Thr]LCTALAEPAW